The following is an entry in ClinVar:

ClinVar aggregate classification (germline): Benign (1 of 4 stars; one submission).

Conditions:
Nail-patella syndrome (NPS). Also called: FONG DISEASE; ONYCHOOSTEODYSPLASIA; TURNER-KIESER SYNDROME. Identifiers: Orphanet 2614, MedGen C0027341, MONDO:0008061, OMIM 161200.

Allele frequency attached by ClinVar (database versions not stated): gnomAD 0.00965 and 0.01022; 1000 Genomes Project 0.01058; TOPMed 0.01062.

Submission:

Illumina Laboratory Services, Illumina
Classification: Benign for Nail-patella syndrome. Last evaluated: 2018-01-13. Review status: criteria provided, single submitter. Criteria: ICSL Variant Classification Criteria 13 December 2019. Collection method: clinical testing. Allele origin: germline.
Comment: This variant was observed in the ICSL laboratory as part of a predisposition screen in an ostensibly healthy population. It had not been previously curated by ICSL or reported in the Human Gene Mutation Database (HGMD: prior to June 1st, 2018), and was therefore a candidate for classification through an automated scoring system. Utilizing variant allele frequency, disease prevalence and penetrance estimates, and inheritance mode, an automated score was calculated to assess if this variant is too frequent to cause the disease. Based on the score and internal cut-off values, a variant classified as benign is not then subjected to further curation. The score for this variant resulted in a classification of benign for this disease.

NM_001174147.2(LMX1B):c.*1644C>G

Gene: LMX1B (LIM homeobox transcription factor 1 beta; plus strand). Cytogenetic location: 9q33.3.
Variant type: single nucleotide variant.
Coding change: c.*1644C>G on transcript NM_001174147.2 (MANE Select); 1644 bases downstream of the stop codon, C replaced by G.
Molecular consequence: 3 prime UTR variant.
Genome position (GRCh38, 1-based): chr9:126,698,095, C>G. VCF-style: chr9-126698095-C-G. GRCh37 (hg19) VCF-style: chr9-129460374-C-G.
Other names: c.*1644C>G (NM_001174146.2, NM_002316.4).
Identifiers: ClinVar variation 364938 (VCV000364938.5), dbSNP rs187256465, ClinGen allele CA10632457.
Genomic context (GRCh38, chr9:126,698,095, plus strand): 5'-CCAGCTAATTTTGTATTTTTAGTAGCAACGGGGTTTCTCCATGTTGGTCAGGCTGGTCTC[C>G]AACCCCCGACCTCAGGTGATCCGCCTGCCTCGGCCTCCCAAAGTGCTGGGATTACAGGCG-3'